The following is an entry in ClinVar:

NM_001206927.2(DNAH8):c.10421T>C (p.Phe3474Ser)

Genes: DNAH8 (dynein axonemal heavy chain 8; plus strand), DNAH8-AS1 (DNAH8 antisense RNA 1; minus strand). Cytogenetic location: 6p21.2.
Variant type: single nucleotide variant.
Coding change: c.10421T>C on transcript NM_001206927.2 (MANE Select); coding-DNA position 10421, T replaced by C.
Protein change: p.Phe3474Ser; replaces phenylalanine 3474 with serine.
Molecular consequence: missense variant.
Genome position (GRCh38, 1-based): chr6:38,918,037, T>C. VCF-style: chr6-38918037-T-C. GRCh37 (hg19) VCF-style: chr6-38885813-T-C.
Other names: c.9770T>C, p.Phe3257Ser (NM_001371.4); short protein forms F3474S, F3257S.
Identifiers: ClinVar variation 454534 (VCV000454534.7), dbSNP rs538936217, ClinGen allele CA3790718.

ClinVar aggregate classification (germline): Uncertain significance. Review status: criteria provided, multiple submitters, no conflicts (2 of 4 stars). 2 submissions from 2 submitters: Uncertain significance (2). Last evaluated 2022-12-01.

Conditions:
Primary ciliary dyskinesia. Also called: Ciliary dyskinesia. Identifiers: Orphanet 244, MedGen C0008780, MONDO:0016575, HP:0012265.

Allele frequency attached by ClinVar (database versions not stated): gnomAD below 0.00001 and 0.00005; TOPMed 0.00002; gnomAD exomes 0.00006 and 0.00010; ExAC 0.00012; 1000 Genomes Project 0.00040; 1000 Genomes Project 30x 0.00047.
gnomAD v4.1: 94 of 1,613,930 alleles (0.0058%); highest among the groups gnomAD compares: South Asian, 0.097%; no homozygotes.

Submissions (2):

Ambry Genetics
Classification: Uncertain significance. Last evaluated: 2022-12-01. Review status: criteria provided, single submitter. Criteria: Ambry Variant Classification Scheme 2023. Collection method: clinical testing. Allele origin: germline.

Labcorp Genetics (formerly Invitae), Labcorp
Classification: Uncertain significance for Primary ciliary dyskinesia. Last evaluated: 2021-08-13. Review status: criteria provided, single submitter. Criteria: Invitae Variant Classification Sherloc (09022015). Collection method: clinical testing. Allele origin: germline.
Comment: This sequence change replaces phenylalanine with serine at codon 3474 of the DNAH8 protein (p.Phe3474Ser). The phenylalanine residue is moderately conserved and there is a large physicochemical difference between phenylalanine and serine. This variant is present in population databases (rs538936217, ExAC 0.09%). This missense change has been observed in individual(s) with clinical features of DNAH8-related conditions (Invitae). Algorithms developed to predict the effect of missense changes on protein structure and function are either unavailable or do not agree on the potential impact of this missense change (SIFT: "Deleterious"; PolyPhen-2: "Not Available"; Align-GVGD: "Class C35"). In summary, the available evidence is currently insufficient to determine the role of this variant in disease. Therefore, it has been classified as a Variant of Uncertain Significance.